The following is an entry in ClinVar:

ClinVar aggregate classification (germline): Uncertain significance. Review status: criteria provided, multiple submitters, no conflicts (2 of 4 stars). 3 submissions from 3 submitters: Uncertain significance (3). Last evaluated 2026-02-02.

Conditions:
Endometrial carcinoma. Also called: Endometrial carcinoma, somatic. Identifiers: MedGen C0476089, MONDO:0002447, OMIM 608089, HP:0012114.
Hereditary cancer-predisposing syndrome. Also called: Hereditary Cancer Syndrome; Hereditary neoplastic syndrome; Tumor predisposition; Neoplastic Syndromes, Hereditary. Identifiers: Orphanet 140162, MedGen C0027672, MeSH D009386, MONDO:0015356.

Allele frequency attached by ClinVar (database versions not stated): gnomAD exomes below 0.00001 and 0.00001.

Submissions (3):

Labcorp Genetics (formerly Invitae), Labcorp
Classification: Uncertain significance. Last evaluated: 2026-02-02. Review status: criteria provided, single submitter. Criteria: Invitae Variant Classification Sherloc (09022015). Collection method: clinical testing. Allele origin: germline.
Comment: This sequence change replaces valine, which is neutral and non-polar, with methionine, which is neutral and non-polar, at codon 344 of the MSH3 protein (p.Val344Met). This variant is present in population databases (no rsID available, gnomAD 0.006%). This variant has not been reported in the literature in individuals affected with MSH3-related conditions. ClinVar contains an entry for this variant (Variation ID: 841798). An algorithm developed to predict the effect of missense changes on protein structure and function (PolyPhen-2) suggests that this variant is likely to be disruptive. In summary, the available evidence is currently insufficient to determine the role of this variant in disease. Therefore, it has been classified as a Variant of Uncertain Significance.

Baylor Genetics
Classification: Uncertain significance for Endometrial carcinoma. Last evaluated: 2024-03-25. Review status: criteria provided, single submitter. Criteria: ACMG Guidelines, 2015. Collection method: clinical testing. Allele origin: unknown.

Ambry Genetics
Classification: Uncertain significance for Hereditary cancer-predisposing syndrome. Last evaluated: 2024-02-05. Review status: criteria provided, single submitter. Criteria: Ambry Variant Classification Scheme 2023. Collection method: clinical testing. Allele origin: germline.

NM_002439.5(MSH3):c.1030G>A (p.Val344Met)

Gene: MSH3 (mutS homolog 3; plus strand). Cytogenetic location: 5q14.1.
Variant type: single nucleotide variant.
Coding change: c.1030G>A on transcript NM_002439.5 (MANE Select); coding-DNA position 1030, G replaced by A.
Protein change: p.Val344Met; replaces valine 344 with methionine.
Molecular consequence: missense variant.
Genome position (GRCh38, 1-based): chr5:80,674,985, G>A. VCF-style: chr5-80674985-G-A. GRCh37 (hg19) VCF-style: chr5-79970804-G-A.
Other names: short protein forms V344M.
Identifiers: ClinVar variation 841798 (VCV000841798.14), dbSNP rs1211104824, ClinGen allele CA360267818.